The following is an entry in ClinVar:

ClinVar aggregate classification (germline): Uncertain significance (1 of 4 stars; one submission).

Allele frequency attached by ClinVar (database versions not stated): gnomAD 0.00009; gnomAD exomes 0.00011; TOPMed 0.00014; ExAC 0.00016; 1000 Genomes Project 30x 0.00047; 1000 Genomes Project 0.00060.
gnomAD v4.1: 166 of 1,614,126 alleles (0.01%); highest among the groups gnomAD compares: East Asian, 0.32%; 1 homozygote.

Submission:

Labcorp Genetics (formerly Invitae), Labcorp
Classification: Uncertain significance. Last evaluated: 2022-04-01. Review status: criteria provided, single submitter. Criteria: Invitae Variant Classification Sherloc (09022015). Collection method: clinical testing. Allele origin: germline.
Comment: In summary, the available evidence is currently insufficient to determine the role of this variant in disease. Therefore, it has been classified as a Variant of Uncertain Significance. Algorithms developed to predict the effect of missense changes on protein structure and function output the following: SIFT: "Tolerated"; PolyPhen-2: "Benign"; Align-GVGD: "Class C0". The valine amino acid residue is found in multiple mammalian species, which suggests that this missense change does not adversely affect protein function. This variant has not been reported in the literature in individuals affected with PYCR2-related conditions. This variant is present in population databases (rs201142342, gnomAD 0.2%). This sequence change replaces isoleucine, which is neutral and non-polar, with valine, which is neutral and non-polar, at codon 203 of the PYCR2 protein (p.Ile203Val).

NM_013328.4(PYCR2):c.607A>G (p.Ile203Val)

Gene: PYCR2 (pyrroline-5-carboxylate reductase 2; minus strand). Cytogenetic location: 1q42.12.
Variant type: single nucleotide variant.
Coding change: c.607A>G on transcript NM_013328.4 (MANE Select); coding-DNA position 607, A replaced by G.
Protein change: p.Ile203Val; replaces isoleucine 203 with valine.
Molecular consequence: missense variant.
Genome position (GRCh38, 1-based): chr1:225,921,578, T>C on the plus strand (A>G on the coding strand, the complement: PYCR2 is on the minus strand). VCF-style: chr1-225921578-T-C. GRCh37 (hg19) VCF-style: chr1-226109278-T-C.
Other names: c.385A>G, p.Ile129Val (NM_001271681.2); short protein forms I129V, I203V.
Identifiers: ClinVar variation 2419891 (VCV002419891.5), dbSNP rs201142342, ClinGen allele CA1420159.